The following is an entry in ClinVar:

ClinVar aggregate classification (germline): Uncertain significance (1 of 4 stars; one submission).

Conditions:
Familial thoracic aortic aneurysm and aortic dissection (TAAD). Also called: Thoracic aortic aneurysms and dissections. Identifiers: Orphanet 91387, MedGen C4707243, MONDO:0019625.

Allele frequency attached by ClinVar (database versions not stated): gnomAD exomes below 0.00001.
gnomAD v4.1: 7 of 1,614,188 alleles (0.00043%); highest among the groups gnomAD compares: Non-Finnish European, 0.00051%; no homozygotes.

Submission:

Color Diagnostics, LLC DBA Color Health
Classification: Uncertain significance for Familial thoracic aortic aneurysm and aortic dissection. Last evaluated: 2024-03-06. Review status: criteria provided, single submitter. Criteria: ACMG Guidelines, 2015. Collection method: clinical testing. Allele origin: germline.
Comment: This missense variant replaces isoleucine with valine at codon 516 of the MYH11 protein. Computational prediction is inconclusive regarding the impact of this variant on protein structure and function (internally defined REVEL score threshold 0.5 < inconclusive < 0.7, PMID: 27666373). To our knowledge, functional studies have not been reported for this variant. This variant has not been reported in individuals affected with cardiovascular disorders in the literature. This variant has been identified in 1/251458 chromosomes in the general population by the Genome Aggregation Database (gnomAD). The available evidence is insufficient to determine the role of this variant in disease conclusively. Therefore, this variant is classified as a Variant of Uncertain Significance.

NM_002474.3(MYH11):c.1525A>G (p.Ile509Val)

Gene: MYH11 (myosin heavy chain 11; minus strand). Cytogenetic location: 16p13.11.
Variant type: single nucleotide variant.
Coding change: c.1525A>G on transcript NM_002474.3 (MANE Select); coding-DNA position 1525, A replaced by G.
Protein change: p.Ile509Val; replaces isoleucine 509 with valine.
Molecular consequence: missense variant.
Genome position (GRCh38, 1-based): chr16:15,757,877, T>C on the plus strand (A>G on the coding strand, the complement: MYH11 is on the minus strand). VCF-style: chr16-15757877-T-C. GRCh37 (hg19) VCF-style: chr16-15851734-T-C.
Other names: c.1546A>G, p.Ile516Val (NM_001040113.2, NM_001040114.2); c.1525A>G, p.Ile509Val (NM_022844.3); short protein forms I509V, I516V.
Identifiers: ClinVar variation 1332200 (VCV001332200.3), dbSNP rs1239094357, ClinGen allele CA394870842.